The following is an entry in ClinVar:

ClinVar aggregate classification (germline): Uncertain significance. Review status: criteria provided, multiple submitters, no conflicts (2 of 4 stars). 2 submissions from 2 submitters: Uncertain significance (2). Last evaluated 2025-06-25.

Conditions:
Inborn genetic diseases. Identifiers: MedGen C0950123, MeSH D030342.
Autosomal dominant childhood-onset proximal spinal muscular atrophy with contractures (SMALED2A). Also called: SPINAL MUSCULAR ATROPHY, LOWER EXTREMITY-PREDOMINANT, 2A, CHILDHOOD ONSET, AUTOSOMAL DOMINANT; Spinal muscular atrophy, lower extremity-predominant, 2A, autosomal dominant. Identifiers: Orphanet 363447, Orphanet 363454, MedGen C4747715, MONDO:0014121, OMIM 615290.

Allele frequency attached by ClinVar (database versions not stated): ExAC 0.00001; gnomAD 0.00001; TOPMed 0.00001.

Submissions (2):

Labcorp Genetics (formerly Invitae), Labcorp
Classification: Uncertain significance for Autosomal dominant childhood-onset proximal spinal muscular atrophy with contractures. Last evaluated: 2025-06-25. Review status: criteria provided, single submitter. Criteria: Invitae Variant Classification Sherloc (09022015). Collection method: clinical testing. Allele origin: germline.
Comment: This sequence change replaces arginine, which is basic and polar, with cysteine, which is neutral and slightly polar, at codon 389 of the BICD2 protein (p.Arg389Cys). This variant is present in population databases (rs766132361, gnomAD 0.003%). This variant has not been reported in the literature in individuals affected with BICD2-related conditions. ClinVar contains an entry for this variant (Variation ID: 1494151). Invitae Evidence Modeling of protein sequence and biophysical properties (such as structural, functional, and spatial information, amino acid conservation, physicochemical variation, residue mobility, and thermodynamic stability) indicates that this missense variant is not expected to disrupt BICD2 protein function with a negative predictive value of 80%. In summary, the available evidence is currently insufficient to determine the role of this variant in disease. Therefore, it has been classified as a Variant of Uncertain Significance.

Ambry Genetics
Classification: Uncertain significance for Inborn genetic diseases. Last evaluated: 2022-06-29. Review status: criteria provided, single submitter. Criteria: Ambry Variant Classification Scheme 2023. Collection method: clinical testing. Allele origin: germline.
Comment: The p.R389C variant (also known as c.1165C>T), located in coding exon 5 of the BICD2 gene, results from a C to T substitution at nucleotide position 1165. The arginine at codon 389 is replaced by cysteine, an amino acid with highly dissimilar properties. This amino acid position is conserved. In addition, this alteration is predicted to be tolerated by in silico analysis. Since supporting evidence is limited at this time, the clinical significance of this alteration remains unclear.

NM_001003800.2(BICD2):c.1165C>T (p.Arg389Cys)

Gene: BICD2 (BICD cargo adaptor 2; minus strand). Cytogenetic location: 9q22.31.
Variant type: single nucleotide variant.
Coding change: c.1165C>T on transcript NM_001003800.2 (MANE Select); coding-DNA position 1165, C replaced by T.
Protein change: p.Arg389Cys; replaces arginine 389 with cysteine.
Molecular consequence: missense variant.
Genome position (GRCh38, 1-based): chr9:92,719,480, G>A on the plus strand (C>T on the coding strand, the complement: BICD2 is on the minus strand). VCF-style: chr9-92719480-G-A. GRCh37 (hg19) VCF-style: chr9-95481762-G-A.
Other names: c.1165C>T, p.Arg389Cys (NM_015250.4); short protein forms R389C.
Identifiers: ClinVar variation 1494151 (VCV001494151.8), dbSNP rs766132361, ClinGen allele CA5126621.